The following is an entry in ClinVar:

ClinVar aggregate classification (germline): Likely benign (1 of 4 stars; one submission).

Submission:

CeGaT Center for Human Genetics Tuebingen
Classification: Likely benign. Last evaluated: 2026-09-01. Review status: criteria provided, single submitter. Criteria: CeGaT Center For Human Genetics Tuebingen Variant Classification Criteria Version 2. Collection method: clinical testing. Allele origin: germline. Affected: yes. Observed: 1 variant allele.
Comment: TNXB: BP4, BP7

NM_001365276.2(TNXB):c.12531C>T (p.Ser4177=)

Genes: TNXB (tenascin XB; minus strand), LOC106780803 (tenascin XB recombination region; plus strand). Cytogenetic location: 6p21.33.
Variant type: single nucleotide variant.
Coding change: c.12531C>T on transcript NM_001365276.2 (MANE Select); coding-DNA position 12531, C replaced by T.
Protein change: p.Ser4177=; no amino-acid change (serine 4177 retained).
Molecular consequence: synonymous variant.
Genome position (GRCh38, 1-based): chr6:32,041,873, G>A on the plus strand (C>T on the coding strand, the complement: TNXB is on the minus strand). VCF-style: chr6-32041873-G-A. GRCh37 (hg19) VCF-style: chr6-32009650-G-A.
Other names: c.13272C>T, p.Ser4424= (NM_001428335.1); c.12525C>T, p.Ser4175= (NM_019105.8); c.1818C>T, p.Ser606= (NM_032470.4).
Identifiers: ClinVar variation 5041121 (VCV005041121.1).